The following is an entry in ClinVar:

NM_020719.3(PRR12):c.3789C>T (p.Ile1263=)

Gene: PRR12 (proline rich 12; plus strand). Cytogenetic location: 19q13.33.
Variant type: single nucleotide variant.
Coding change: c.3789C>T on transcript NM_020719.3 (MANE Select); coding-DNA position 3789, C replaced by T.
Protein change: p.Ile1263=; no amino-acid change (isoleucine 1263 retained).
Molecular consequence: synonymous variant.
Genome position (GRCh38, 1-based): chr19:49,599,382, C>T. VCF-style: chr19-49599382-C-T. GRCh37 (hg19) VCF-style: chr19-50102639-C-T.
Identifiers: ClinVar variation 4821634 (VCV004821634.4).
Genomic context (GRCh38, chr19:49,599,382, plus strand): 5'-TGATGCCATATCAGGCACTGACCACAACAGCCTGGACTCGAGCCTGACTCGGGAGAAGAT[C>T]GAGGCCAAGATTAAGGAGGTGGAGGAGAAGCAGCCGGAGATGAAGTCGGGTTTCATGGCC-3'
Protein context (NP_065770.1, residues 1253-1273): SLDSSLTREK[Ile1263=]EAKIKEVEEK

ClinVar aggregate classification (germline): Likely benign (1 of 4 stars; one submission).

gnomAD v4.1: 60 of 1,612,674 alleles (0.0037%); highest among the groups gnomAD compares: African/African-American, 0.029%; no homozygotes.

Submission:

CeGaT Center for Human Genetics Tuebingen
Classification: Likely benign. Last evaluated: 2026-06-01. Review status: criteria provided, single submitter. Criteria: CeGaT Center For Human Genetics Tuebingen Variant Classification Criteria Version 2. Collection method: clinical testing. Allele origin: germline. Affected: yes. Observed: 2 variant alleles.
Comment: PRR12: BP4, BP7